The following is an entry in ClinVar:

ClinVar aggregate classification (germline): Uncertain significance. Review status: criteria provided, multiple submitters, no conflicts (2 of 4 stars). 2 submissions from 2 submitters: Uncertain significance (2). Last evaluated 2025-08-12.

Conditions:
Inborn genetic diseases. Identifiers: MedGen C0950123, MeSH D030342.

Allele frequency attached by ClinVar (database versions not stated): gnomAD 0.00001; gnomAD exomes 0.00002; ExAC 0.00003; TOPMed 0.00006.
gnomAD v4.1: 15 of 1,613,508 alleles (0.00093%); highest among the groups gnomAD compares: Admixed American, 0.025%; no homozygotes.

Submissions (2):

Ambry Genetics
Classification: Uncertain significance for Inborn genetic diseases. Last evaluated: 2025-08-12. Review status: criteria provided, single submitter. Criteria: Ambry Variant Classification Scheme 2023. Collection method: clinical testing. Allele origin: germline.

Labcorp Genetics (formerly Invitae), Labcorp
Classification: Uncertain significance. Last evaluated: 2022-07-31. Review status: criteria provided, single submitter. Criteria: Invitae Variant Classification Sherloc (09022015). Collection method: clinical testing. Allele origin: germline.
Comment: This sequence change replaces threonine, which is neutral and polar, with serine, which is neutral and polar, at codon 418 of the TAPT1 protein (p.Thr418Ser). This variant is present in population databases (rs758279791, gnomAD 0.03%). This variant has not been reported in the literature in individuals affected with TAPT1-related conditions. Algorithms developed to predict the effect of missense changes on protein structure and function (SIFT, PolyPhen-2, Align-GVGD) all suggest that this variant is likely to be tolerated. In summary, the available evidence is currently insufficient to determine the role of this variant in disease. Therefore, it has been classified as a Variant of Uncertain Significance.

NM_153365.3(TAPT1):c.1252A>T (p.Thr418Ser)

Gene: TAPT1 (transmembrane anterior posterior transformation 1; minus strand). Cytogenetic location: 4p15.32.
Variant type: single nucleotide variant.
Coding change: c.1252A>T on transcript NM_153365.3 (MANE Select); coding-DNA position 1252, A replaced by T.
Protein change: p.Thr418Ser; replaces threonine 418 with serine.
Molecular consequence: missense variant.
Genome position (GRCh38, 1-based): chr4:16,170,714, T>A on the plus strand (A>T on the coding strand, the complement: TAPT1 is on the minus strand). VCF-style: chr4-16170714-T-A. GRCh37 (hg19) VCF-style: chr4-16172337-T-A.
Other names: c.1252A>T (NM_153365.2); short protein forms T418S.
Identifiers: ClinVar variation 2197708 (VCV002197708.2), dbSNP rs758279791, ClinGen allele CA2867330.